The following is an entry in ClinVar:

NM_053025.4(MYLK):c.1613G>A (p.Arg538Gln)

Gene: MYLK (myosin light chain kinase; minus strand). Cytogenetic location: 3q21.1.
Variant type: single nucleotide variant.
Coding change: c.1613G>A on transcript NM_053025.4 (MANE Select); coding-DNA position 1613, G replaced by A.
Protein change: p.Arg538Gln; replaces arginine 538 with glutamine.
Molecular consequence: missense variant.
Genome position (GRCh38, 1-based): chr3:123,725,982, C>T on the plus strand (G>A on the coding strand, the complement: MYLK is on the minus strand). VCF-style: chr3-123725982-C-T. GRCh37 (hg19) VCF-style: chr3-123444829-C-T.
Other names: c.1085G>A, p.Arg362Gln (NM_001321309.2); c.1406G>A, p.Arg469Gln (NM_053026.4, NM_053028.4); c.1613G>A, p.Arg538Gln (NM_053027.4); short protein forms R538Q, R362Q, R469Q.
Identifiers: ClinVar variation 241752 (VCV000241752.12), dbSNP rs368509953, ClinGen allele CA067261.

ClinVar aggregate classification (germline): Conflicting classifications of pathogenicity. Review status: criteria provided, conflicting classifications (1 of 4 stars). 3 submissions from 3 submitters: Uncertain significance (1); Likely benign (2). Last evaluated 2025-12-29.

Conditions:
Aortic aneurysm, familial thoracic 7 (AAT7). Also called: AORTIC DISSECTION, FAMILIAL, WITH OR WITHOUT AORTIC ANEURYSM. Identifiers: MedGen C3151077, MONDO:0013418, OMIM 613780.
Familial thoracic aortic aneurysm and aortic dissection (TAAD). Also called: Thoracic aortic aneurysms and dissections. Identifiers: Orphanet 91387, MedGen C4707243, MONDO:0019625.

Allele frequency attached by ClinVar (database versions not stated): TOPMed 0.00002; gnomAD 0.00003 and 0.00004; ExAC 0.00004; gnomAD exomes 0.00004 and 0.00006; ESP Exome Variant Server 0.00008.
gnomAD v4.1: 68 of 1,614,052 alleles (0.0042%); highest among the groups gnomAD compares: South Asian, 0.026%; 1 homozygote.

Submissions (3):

Labcorp Genetics (formerly Invitae), Labcorp
Classification: Uncertain significance for Aortic aneurysm, familial thoracic 7. Last evaluated: 2025-12-29. Review status: criteria provided, single submitter. Criteria: Invitae Variant Classification Sherloc (09022015). Collection method: clinical testing. Allele origin: germline.
Comment: This sequence change replaces arginine, which is basic and polar, with glutamine, which is neutral and polar, at codon 538 of the MYLK protein (p.Arg538Gln). This variant is present in population databases (rs368509953, gnomAD 0.03%). This variant has not been reported in the literature in individuals affected with MYLK-related conditions. ClinVar contains an entry for this variant (Variation ID: 241752). Invitae Evidence Modeling of protein sequence and biophysical properties (such as structural, functional, and spatial information, amino acid conservation, physicochemical variation, residue mobility, and thermodynamic stability) indicates that this missense variant is not expected to disrupt MYLK protein function with a negative predictive value of 80%. In summary, the available evidence is currently insufficient to determine the role of this variant in disease. Therefore, it has been classified as a Variant of Uncertain Significance.

Ambry Genetics
Classification: Likely benign for Familial thoracic aortic aneurysm and aortic dissection. Last evaluated: 2023-07-08. Review status: criteria provided, single submitter. Criteria: Ambry Variant Classification Scheme 2023. Collection method: clinical testing. Allele origin: germline.

GeneDx
Classification: Likely benign. Last evaluated: 2019-08-12. Review status: criteria provided, single submitter. Criteria: GeneDx Variant Classification Process June 2021. Collection method: clinical testing. Allele origin: germline. Affected: yes.